The following is an entry in ClinVar:

ClinVar aggregate classification (germline): Likely pathogenic (1 of 4 stars; one submission).

Conditions:
Plasma factor XI deficiency.

gnomAD v4.1: 5 of 1,614,014 alleles (0.00031%); highest among the groups gnomAD compares: Non-Finnish European, 0.00042%; no homozygotes.

Submission:

Natera, Inc.
Classification: Likely pathogenic for Plasma factor XI deficiency. Last evaluated: 2024-12-11. Review status: criteria provided, single submitter. Criteria: Natera Variant Classification Schema (03/2026). Collection method: clinical testing. Allele origin: germline.
Comment: The c.1498T>C variant in F11 is a missense variant predicted to cause substitution of cysteine to arginine at amino acid 500. This variant is rare in the general population with a frequency below the threshold expected for the associated phenotype(s). This variant has been observed in affected individual(s) with monoallelic occurrence (heterozygous/hemizygous) (PMID: 19652879). A different variant at the same position has been determined to be Pathogenic or Likely Pathogenic. Computational prediction algorithms indicate this variant is likely to affect gene or protein function. Given the available evidence, this variant is classified as Likely Pathogenic.

Literature cited by the submitters: PubMed 19652879.

NM_000128.4(F11):c.1498T>C (p.Cys500Arg)

Genes: F11 (coagulation factor XI; plus strand), F11-AS1 (F11 antisense RNA 1; minus strand). Cytogenetic location: 4q35.2.
Variant type: single nucleotide variant.
Coding change: c.1498T>C on transcript NM_000128.4 (MANE Select); coding-DNA position 1498, T replaced by C.
Protein change: p.Cys500Arg; replaces cysteine 500 with arginine.
Molecular consequence: missense variant. On other transcripts: intron variant (4).
Genome position (GRCh38, 1-based): chr4:186,286,432, T>C. VCF-style: chr4-186286432-T-C. GRCh37 (hg19) VCF-style: chr4-187207586-T-C.
Other names: c.1450T>C, p.Cys484Arg (NM_001440590.1); c.1228T>C, p.Cys410Arg (NM_001440605.1); c.1180T>C, p.Cys394Arg (NM_001440606.1); c.1480+619T>C (NM_001440593.1); c.1432+619T>C (NM_001440596.1); c.1210+619T>C (NM_001440607.1); c.1162+619T>C (NM_001440608.1); short protein forms C394R, C410R, C484R, C500R.
Identifiers: ClinVar variation 4817492 (VCV004817492.1).